The following is an entry in ClinVar:

NM_001903.5(CTNNA1):c.1508A>G (p.Asp503Gly)

Gene: CTNNA1 (catenin alpha 1; plus strand). Cytogenetic location: 5q31.2.
Variant type: single nucleotide variant.
Coding change: c.1508A>G on transcript NM_001903.5 (MANE Select); coding-DNA position 1508, A replaced by G.
Protein change: p.Asp503Gly; replaces aspartic acid 503 with glycine.
Molecular consequence: missense variant.
Genome position (GRCh38, 1-based): chr5:138,917,860, A>G. VCF-style: chr5-138917860-A-G. GRCh37 (hg19) VCF-style: chr5-138253549-A-G.
Other names: c.1508A>G, p.Asp503Gly (NM_001290307.3, NM_001323982.2, NM_001323983.1 and 2 more transcripts); c.1199A>G, p.Asp400Gly (NM_001290309.3); c.1139A>G, p.Asp380Gly (NM_001290310.3); c.398A>G, p.Asp133Gly (NM_001290312.1, NM_001323987.1, NM_001323988.1 and 17 more transcripts); c.1415A>G, p.Asp472Gly (NM_001323986.2); c.59A>G, p.Asp20Gly (NM_001324006.1, NM_001324007.1, NM_001324008.1 and 2 more transcripts); c.305A>G, p.Asp102Gly (NM_001324011.1); c.155A>G, p.Asp52Gly (NM_001324012.1, NM_001324013.1); short protein forms D102G, D380G, D52G, D133G, D20G, D400G, D472G, D503G.
Identifiers: ClinVar variation 2563292 (VCV002563292.2), dbSNP rs2533591020, ClinGen allele CA361137344.

ClinVar aggregate classification (germline): Uncertain significance (1 of 4 stars; one submission).

Conditions:
Hereditary cancer-predisposing syndrome. Also called: Neoplastic Syndromes, Hereditary; Hereditary Cancer Syndrome; Hereditary neoplastic syndrome; Tumor predisposition. Identifiers: Orphanet 140162, MedGen C0027672, MeSH D009386, MONDO:0015356.

Submission:

Ambry Genetics
Classification: Uncertain significance for Hereditary cancer-predisposing syndrome. Last evaluated: 2023-06-09. Review status: criteria provided, single submitter. Criteria: Ambry Variant Classification Scheme 2023. Collection method: clinical testing. Allele origin: germline.
Comment: The p.D503G variant (also known as c.1508A>G), located in coding exon 10 of the CTNNA1 gene, results from an A to G substitution at nucleotide position 1508. The aspartic acid at codon 503 is replaced by glycine, an amino acid with similar properties. This amino acid position is conserved. In addition, this alteration is predicted to be deleterious by in silico analysis. Since supporting evidence is limited at this time, the clinical significance of this alteration remains unclear.